The following is an entry in ClinVar:

ClinVar aggregate classification (germline): Pathogenic (1 of 4 stars; one submission).

Conditions:
Intellectual disability, X-linked 49 (MRXSRC). Also called: MRX49; CLCN4-Related Neurodevelopmental Disorder; CLCN4-related X-linked intellectual disability syndrome; MENTAL RETARDATION, X-LINKED 15; RAYNAUD-CLAES SYNDROME. Identifiers: Orphanet 485350, Orphanet 777, MedGen C0796221, MONDO:0010250, OMIM 300114.

Submission:

Greenwood Genetic Center Diagnostic Laboratories, Greenwood Genetic Center
Classification: Pathogenic for Intellectual disability, X-linked 49. Last evaluated: 2024-03-22. Review status: criteria provided, single submitter. Criteria: ACMG Guidelines, 2015. Collection method: clinical testing. Allele origin: germline. Affected: yes.
Comment: PVS1, PS2, PM2

NM_001830.4(CLCN4):c.980G>A (p.Trp327Ter)

Gene: CLCN4 (Cl-/H+ antiporter 4; plus strand). Cytogenetic location: Xp22.2.
Variant type: single nucleotide variant.
Coding change: c.980G>A on transcript NM_001830.4 (MANE Select); coding-DNA position 980, G replaced by A.
Protein change: p.Trp327Ter; replaces tryptophan 327 with a stop codon.
Molecular consequence: nonsense.
Genome position (GRCh38, 1-based): chrX:10,208,181, G>A. VCF-style: chrX-10208181-G-A. GRCh37 (hg19) VCF-style: chrX-10176221-G-A.
Other names: c.698G>A, p.Trp233Ter (NM_001256944.2); short protein forms W233*, W327*.
Identifiers: ClinVar variation 3235813 (VCV003235813.1), dbSNP rs2518885361, ClinGen allele CA412037584.
Genomic context (GRCh38, chrX:10,208,181, plus strand): 5'-CCATCAATCCCTTTGGGAATAGCCGTCTCGTTCTCTTTTATGTGGAATACCACACGCCCT[G>A]GTACATGGCTGAACTCTTCCCCTTCATCCTGCTTGGGGTCTTCGGGGGCTTGTGGGGAAC-3'